The following is an entry in ClinVar:

NM_000503.6(EYA1):c.1538T>C (p.Leu513Pro)

Gene: EYA1 (EYA transcriptional coactivator and phosphatase 1; minus strand). Cytogenetic location: 8q13.3.
Variant type: single nucleotide variant.
Coding change: c.1538T>C on transcript NM_000503.6 (MANE Select); coding-DNA position 1538, T replaced by C.
Protein change: p.Leu513Pro; replaces leucine 513 with proline.
Molecular consequence: missense variant.
Genome position (GRCh38, 1-based): chr8:71,215,446, A>G on the plus strand (T>C on the coding strand, the complement: EYA1 is on the minus strand). VCF-style: chr8-71215446-A-G. GRCh37 (hg19) VCF-style: chr8-72127681-A-G.
Other names: c.1520T>C, p.Leu507Pro (NM_001288574.2, NM_172059.5); c.1172T>C, p.Leu391Pro (NM_001288575.2); c.1625T>C, p.Leu542Pro (NM_001370333.1); c.1538T>C, p.Leu513Pro (NM_001370334.1, NM_001370335.1, NM_172058.4); c.1517T>C, p.Leu506Pro (NM_001370336.1); c.1439T>C, p.Leu480Pro (NM_001411797.1, NM_172060.4); short protein forms L391P, L480P, L506P, L507P, L513P, L542P.
Identifiers: ClinVar variation 4531236 (VCV004531236.1).
Genomic context (GRCh38, chr8:71,215,446, plus strand): 5'-CCTATTTTAGTTGCACTGTAAATATTTTCTATTGGAAATACAATTCCTAACCCATACAGC[A>G]GGACTTTCGCCAATGCTGGGATGAGCTGAGTAGTTGTTACTAAAATATTCACACAGTTTG-3'
Protein context (NP_000494.2, residues 503-523): TQLIPALAKV[Leu513Pro]LYGLGIVFPI

ClinVar aggregate classification (germline): Likely pathogenic (1 of 4 stars; one submission).

Conditions:
Branchiootic syndrome 1 (BOS1). Also called: BO SYNDROME 1; BRANCHIOOTIC DYSPLASIA. Identifiers: MedGen C1865143, MONDO:0011258, OMIM 602588.
Branchiootorenal syndrome 1. Also called: Branchio-Oto-Renal Syndrome 1. Identifiers: Orphanet 107, MedGen C4551702, MONDO:0007236, OMIM 113650.
Otofaciocervical syndrome 1 (OTFCS). Identifiers: MedGen C3714941, MONDO:0024532, OMIM 166780.

Submission:

Juno Genomics, Hangzhou Juno Genomics, Inc
Classification: Likely pathogenic for Otofaciocervical syndrome 1; Branchiootic syndrome 1; Branchiootorenal syndrome 1. Review status: criteria provided, single submitter. Criteria: ACMG Guidelines, 2015. Collection method: clinical testing. Allele origin: germline. Affected: yes.
Comment: Absent from controls (or at extremely low frequency if recessive) in Genome Aggregation Database, Exome Sequencing Project, 1000 Genomes Project, or Exome Aggregation Consortium.;Multiple lines of computational evidence support a deleterious effect on the gene or gene product (conservation, evolutionary, splicing impact, etc).;The prevalence of the variant in affected individuals is significantly increased compared to the prevalence in controls.;Patient's phenotype or family history is highly specific for a disease with a single genetic etiology.